The following is an entry in ClinVar:

NM_001077525.3(MTMR14):c.593A>C (p.Tyr198Ser)

Gene: MTMR14 (myotubularin related protein 14; plus strand). Cytogenetic location: 3p25.3.
Variant type: single nucleotide variant.
Coding change: c.593A>C on transcript NM_001077525.3 (MANE Select); coding-DNA position 593, A replaced by C.
Protein change: p.Tyr198Ser; replaces tyrosine 198 with serine.
Molecular consequence: missense variant.
Genome position (GRCh38, 1-based): chr3:9,671,086, A>C. VCF-style: chr3-9671086-A-C. GRCh37 (hg19) VCF-style: chr3-9712770-A-C.
Other names: c.593A>C, p.Tyr198Ser (NM_001077526.3, NM_022485.5); short protein forms Y198S.
Identifiers: ClinVar variation 1432272 (VCV001432272.6), dbSNP rs1429851346, ClinGen allele CA351681591.

ClinVar aggregate classification (germline): Uncertain significance (1 of 4 stars; one submission).

Allele frequency attached by ClinVar (database versions not stated): gnomAD 0.00001; TOPMed 0.00003.
gnomAD v4.1: 3 of 1,614,072 alleles (0.00019%); highest among the groups gnomAD compares: Admixed American, 0.005%; no homozygotes.

Submission:

Labcorp Genetics (formerly Invitae), Labcorp
Classification: Uncertain significance. Last evaluated: 2025-08-31. Review status: criteria provided, single submitter. Criteria: Invitae Variant Classification Sherloc (09022015). Collection method: clinical testing. Allele origin: germline.
Comment: This sequence change replaces tyrosine, which is neutral and polar, with serine, which is neutral and polar, at codon 198 of the MTMR14 protein (p.Tyr198Ser). This variant is present in population databases (no rsID available, gnomAD 0.003%). This variant has not been reported in the literature in individuals affected with MTMR14-related conditions. ClinVar contains an entry for this variant (Variation ID: 1432272). Invitae Evidence Modeling of protein sequence and biophysical properties (such as structural, functional, and spatial information, amino acid conservation, physicochemical variation, residue mobility, and thermodynamic stability) indicates that this missense variant is not expected to disrupt MTMR14 protein function with a negative predictive value of 80%. In summary, the available evidence is currently insufficient to determine the role of this variant in disease. Therefore, it has been classified as a Variant of Uncertain Significance.